The following is an entry in ClinVar:

NM_002294.3(LAMP2):c.673G>T (p.Val225Phe)

Gene: LAMP2 (lysosome associated membrane protein 2; minus strand). Cytogenetic location: Xq24.
Variant type: single nucleotide variant.
Coding change: c.673G>T on transcript NM_002294.3 (MANE Select); coding-DNA position 673, G replaced by T.
Protein change: p.Val225Phe; replaces valine 225 with phenylalanine.
Molecular consequence: missense variant.
Genome position (GRCh38, 1-based): chrX:120,447,909, C>A on the plus strand (G>T on the coding strand, the complement: LAMP2 is on the minus strand). VCF-style: chrX-120447909-C-A. GRCh37 (hg19) VCF-style: chrX-119581764-C-A.
Other names: c.673G>T, p.Val225Phe (NM_001122606.1, NM_013995.2); short protein forms V225F.
Identifiers: ClinVar variation 4744892 (VCV004744892.1).

ClinVar aggregate classification (germline): Uncertain significance (1 of 4 stars; one submission).

Conditions:
Danon disease. Also called: Glycogen Storage Disease Type IIb; ANTOPOL DISEASE; PSEUDOGLYCOGENOSIS II; GSD IIb; LYSOSOMAL GLYCOGEN STORAGE DISEASE WITHOUT ACID MALTASE DEFICIENCY. Identifiers: Orphanet 34587, MedGen C0878677, MONDO:0010281, OMIM 300257.

Submission:

Labcorp Genetics (formerly Invitae), Labcorp
Classification: Uncertain significance for Danon disease. Last evaluated: 2025-11-17. Review status: criteria provided, single submitter. Criteria: Invitae Variant Classification Sherloc (09022015). Collection method: clinical testing. Allele origin: germline.
Comment: This sequence change replaces valine, which is neutral and non-polar, with phenylalanine, which is neutral and non-polar, at codon 225 of the LAMP2 protein (p.Val225Phe). This variant is not present in population databases (gnomAD no frequency). This variant has not been reported in the literature in individuals affected with LAMP2-related conditions. Invitae Evidence Modeling of protein sequence and biophysical properties (such as structural, functional, and spatial information, amino acid conservation, physicochemical variation, residue mobility, and thermodynamic stability) indicates that this missense variant is expected to disrupt LAMP2 protein function with a positive predictive value of 80%. In summary, the available evidence is currently insufficient to determine the role of this variant in disease. Therefore, it has been classified as a Variant of Uncertain Significance.